The following is an entry in ClinVar:

NM_018076.5(ODAD2):c.2982C>T (p.Ala994=)

Gene: ODAD2 (outer dynein arm docking complex subunit 2; minus strand). Cytogenetic location: 10p12.1.
Variant type: single nucleotide variant.
Coding change: c.2982C>T on transcript NM_018076.5 (MANE Select); coding-DNA position 2982, C replaced by T.
Protein change: p.Ala994=; no amino-acid change (alanine 994 retained).
Molecular consequence: synonymous variant.
Genome position (GRCh38, 1-based): chr10:27,860,664, G>A on the plus strand (C>T on the coding strand, the complement: ODAD2 is on the minus strand). VCF-style: chr10-27860664-G-A. GRCh37 (hg19) VCF-style: chr10-28149593-G-A.
Other names: c.2982C>T, p.Ala994= (NM_001290020.2); c.1557C>T, p.Ala519= (NM_001290021.2); c.2058C>T, p.Ala686= (NM_001312689.2).
Identifiers: ClinVar variation 417177 (VCV000417177.24), dbSNP rs148295264, ClinGen allele CA5453050.

ClinVar aggregate classification (germline): Benign/Likely benign. Review status: criteria provided, multiple submitters, no conflicts (2 of 4 stars). 6 submissions from 6 submitters: Benign (4); Likely benign (2). Last evaluated 2026-01-27.

Conditions:
Primary ciliary dyskinesia 23 (CILD23). Also called: CILIARY DYSKINESIA, PRIMARY, 23, WITH OR WITHOUT SITUS INVERSUS. Identifiers: Orphanet 244, MedGen C3809548, MONDO:0014193, OMIM 615451.
Primary ciliary dyskinesia. Also called: Ciliary dyskinesia. Identifiers: Orphanet 244, MedGen C0008780, MONDO:0016575, HP:0012265.

Allele frequency attached by ClinVar (database versions not stated): 1000 Genomes Project 30x 0.00219; 1000 Genomes Project 0.00220; gnomAD exomes 0.00281 and 0.00168; TOPMed 0.00175; gnomAD 0.00176 and 0.00181; ExAC 0.00177; ESP Exome Variant Server 0.00215.
gnomAD v4.1: 4,343 of 1,613,988 alleles (0.27%); highest among the groups gnomAD compares: Non-Finnish European, 0.34%; 8 homozygotes.

Submissions (6):

Labcorp Genetics (formerly Invitae), Labcorp
Classification: Benign for Primary ciliary dyskinesia 23. Last evaluated: 2026-01-27. Review status: criteria provided, single submitter. Criteria: Invitae Variant Classification Sherloc (09022015). Collection method: clinical testing. Allele origin: germline.

CeGaT Center for Human Genetics Tuebingen
Classification: Likely benign. Last evaluated: 2025-04-01. Review status: criteria provided, single submitter. Criteria: CeGaT Center For Human Genetics Tuebingen Variant Classification Criteria Version 2. Collection method: clinical testing. Allele origin: germline. Affected: yes. Observed: 1 variant allele.
Comment: ODAD2: BP4, BP7

ARUP Laboratories, Molecular Genetics and Genomics, ARUP Laboratories
Classification: Benign for Primary ciliary dyskinesia 23. Last evaluated: 2025-03-10. Review status: criteria provided, single submitter. Criteria: ARUP Molecular Germline Variant Investigation Process 2024. Collection method: clinical testing. Allele origin: germline.

Blueprint Genetics
Classification: Likely benign. Last evaluated: 2024-11-27. Review status: criteria provided, single submitter. Criteria: ACMG Guidelines, 2015. Collection method: clinical testing. Allele origin: germline.

Fulgent Genetics
Classification: Benign for Primary ciliary dyskinesia 23. Last evaluated: 2022-03-01. Review status: criteria provided, single submitter. Criteria: ACMG Guidelines, 2015. Collection method: clinical testing. Allele origin: unknown.

Ambry Genetics
Classification: Benign for Primary ciliary dyskinesia. Last evaluated: 2016-11-18. Review status: criteria provided, single submitter. Criteria: Ambry Variant Classification Scheme 2023. Collection method: clinical testing. Allele origin: germline.